The following is an entry in ClinVar:

ClinVar aggregate classification (germline): Uncertain significance. Review status: criteria provided, multiple submitters, no conflicts (2 of 4 stars). 2 submissions from 2 submitters: Uncertain significance (2). Last evaluated 2023-10-17.

Conditions:
Inborn genetic diseases. Identifiers: MedGen C0950123, MeSH D030342.

Allele frequency attached by ClinVar (database versions not stated): gnomAD exomes 0.00001.
gnomAD v4.1: 3 of 1,613,234 alleles (0.00019%); highest among the groups gnomAD compares: Admixed American, 0.0033%; no homozygotes.

Submissions (2):

Labcorp Genetics (formerly Invitae), Labcorp
Classification: Uncertain significance. Last evaluated: 2023-10-17. Review status: criteria provided, single submitter. Criteria: Invitae Variant Classification Sherloc (09022015). Collection method: clinical testing. Allele origin: germline.
Comment: This sequence change falls in intron 14 of the OPA1 gene. It does not directly change the encoded amino acid sequence of the OPA1 protein. It affects a nucleotide within the consensus splice site. This variant is present in population databases (no rsID available, gnomAD 0.003%). This variant has not been reported in the literature in individuals affected with OPA1-related conditions. ClinVar contains an entry for this variant (Variation ID: 1466949). Variants that disrupt the consensus splice site are a relatively common cause of aberrant splicing (PMID: 17576681, 9536098). Algorithms developed to predict the effect of sequence changes on RNA splicing suggest that this variant may create or strengthen a splice site. In summary, the available evidence is currently insufficient to determine the role of this variant in disease. Therefore, it has been classified as a Variant of Uncertain Significance.

Ambry Genetics
Classification: Uncertain significance for Inborn genetic diseases. Last evaluated: 2021-05-18. Review status: criteria provided, single submitter. Criteria: Ambry Variant Classification Scheme 2023. Collection method: clinical testing. Allele origin: germline.
Comment: The c.1443+5G>A intronic alteration consists of a G to A substitution nucleotides after coding exon 14 in the OPA1 gene. In silico splice site analysis for this alteration is inconclusive. Based on insufficient or conflicting evidence, the clinical significance of this alteration remains unclear.

Literature cited by the submitters: PubMed 17576681 (cited by Labcorp Genetics (formerly Invitae), Labcorp); PubMed 9536098 (cited by Labcorp Genetics (formerly Invitae), Labcorp).

NM_130837.3(OPA1):c.1608+5G>A

Gene: OPA1 (OPA1 mitochondrial dynamin like GTPase; plus strand). Cytogenetic location: 3q29.
Variant type: single nucleotide variant.
Coding change: c.1608+5G>A on transcript NM_130837.3 (MANE Select); 5 bases into the intron after coding-DNA position 1608, G replaced by A.
Molecular consequence: intron variant.
Genome position (GRCh38, 1-based): chr3:193,644,110, G>A. VCF-style: chr3-193644110-G-A. GRCh37 (hg19) VCF-style: chr3-193361899-G-A.
Other names: c.1071+5G>A (NM_001354664.2); c.1074+5G>A (NM_001354663.2); c.1497+5G>A (NM_130834.3); c.1554+5G>A (NM_130836.3); c.1443+5G>A (NM_015560.3, NM_015560.2); c.1500+5G>A (NM_130835.3); c.1389+5G>A (NM_130832.3); c.1446+5G>A (NM_130833.3); and 1 more.
Identifiers: ClinVar variation 1466949 (VCV001466949.7), dbSNP rs376673283, ClinGen allele CA548822336.
Genomic context (GRCh38, chr3:193,644,110, plus strand): 5'-TATTCGTTTTGACCAAAGTAGACCTGGCAGAGAAAAATGTAGCCAGTCCAAGCAGGGTGA[G>A]GTCAAATTCTTTGTTGCGAGAATAGATTCTTTGTAAAAGCTCCAGCTGTGATAGGGATTT-3'